The following is an entry in ClinVar:

NM_005989.4(AKR1D1):c.799G>C (p.Gly267Arg)

Gene: AKR1D1 (aldo-keto reductase family 1 member D1; plus strand). Cytogenetic location: 7q33.
Variant type: single nucleotide variant.
Coding change: c.799G>C on transcript NM_005989.4 (MANE Select); coding-DNA position 799, G replaced by C.
Protein change: p.Gly267Arg; replaces glycine 267 with arginine.
Molecular consequence: missense variant.
Genome position (GRCh38, 1-based): chr7:138,107,524, G>C. VCF-style: chr7-138107524-G-C. GRCh37 (hg19) VCF-style: chr7-137792270-G-C.
Other names: c.676G>C, p.Gly226Arg (NM_001190906.2); c.799G>C, p.Gly267Arg (NM_001190907.2); short protein forms G226R, G267R.
Identifiers: ClinVar variation 5002145 (VCV005002145.1).

ClinVar aggregate classification (germline): Uncertain significance (1 of 4 stars; one submission).

Conditions:
AKR1D1-related disorder. Also called: AKR1D1-related condition.

gnomAD v4.1: 2 of 1,614,180 alleles (0.00012%); highest among the groups gnomAD compares: Non-Finnish European, 0.000085%; no homozygotes.

Submission:

PreventionGenetics, part of Exact Sciences
Classification: Uncertain significance for AKR1D1-related condition. Last evaluated: 2025-05-21. Review status: criteria provided, single submitter. Criteria: ACMG Guidelines, 2015. Collection method: clinical testing. Allele origin: germline.
Comment: The AKR1D1 c.799G>C variant is predicted to result in the amino acid substitution p.Gly267Arg. To our knowledge, this variant has not been reported in the literature. This variant is reported in 0.00088% of alleles in individuals of European (Non-Finnish) descent in gnomAD. At this time, the clinical significance of this variant is uncertain due to the absence of conclusive functional and genetic evidence.